The following is an entry in ClinVar:

NM_000399.5(EGR2):c.458C>A (p.Thr153Asn)

Gene: EGR2 (early growth response 2; minus strand). Cytogenetic location: 10q21.3.
Variant type: single nucleotide variant.
Coding change: c.458C>A on transcript NM_000399.5 (MANE Select); coding-DNA position 458, C replaced by A.
Protein change: p.Thr153Asn; replaces threonine 153 with asparagine.
Molecular consequence: missense variant.
Genome position (GRCh38, 1-based): chr10:62,814,180, G>T on the plus strand (C>A on the coding strand, the complement: EGR2 is on the minus strand). VCF-style: chr10-62814180-G-T. GRCh37 (hg19) VCF-style: chr10-64573940-G-T.
Other names: c.458C>A, p.Thr153Asn (NM_001136177.3, NM_001136178.2); c.308C>A, p.Thr103Asn (NM_001136179.3, NM_001321037.2); short protein forms T103N, T153N.
Identifiers: ClinVar variation 1392533 (VCV001392533.6), dbSNP rs1414598345, ClinGen allele CA377030493.

ClinVar aggregate classification (germline): Uncertain significance (1 of 4 stars; one submission).

Conditions:
Charcot-Marie-Tooth disease, type I (CMT1). Also called: Charcot-Marie-Tooth, Type 1; Charcot-Marie-Tooth disease type 1. Identifiers: Orphanet 65753, MedGen C0751036, MONDO:0019011.

Submission:

Labcorp Genetics (formerly Invitae), Labcorp
Classification: Uncertain significance for Charcot-Marie-Tooth disease, type I. Last evaluated: 2021-11-11. Review status: criteria provided, single submitter. Criteria: Invitae Variant Classification Sherloc (09022015). Collection method: clinical testing. Allele origin: germline.
Comment: In summary, the available evidence is currently insufficient to determine the role of this variant in disease. Therefore, it has been classified as a Variant of Uncertain Significance. Algorithms developed to predict the effect of missense changes on protein structure and function are either unavailable or do not agree on the potential impact of this missense change (SIFT: "Not Available"; PolyPhen-2: "Benign"; Align-GVGD: "Not Available"). This variant has not been reported in the literature in individuals affected with EGR2-related conditions. This variant is not present in population databases (gnomAD no frequency). This sequence change replaces threonine, which is neutral and polar, with asparagine, which is neutral and polar, at codon 153 of the EGR2 protein (p.Thr153Asn).